The following is an entry in ClinVar:

ClinVar aggregate classification (germline): Uncertain significance (1 of 4 stars; one submission).

Conditions:
Emery-Dreifuss muscular dystrophy 5, autosomal dominant (EDMD5). Also called: EMERY-DREIFUSS MUSCULAR DYSTROPHY 5. Identifiers: Orphanet 261, MedGen C2751805, MONDO:0013072, OMIM 612999.

Allele frequency attached by ClinVar (database versions not stated): gnomAD 0.00001; TOPMed 0.00001.
gnomAD v4.1: 2 of 1,614,028 alleles (0.00012%); highest among the groups gnomAD compares: Admixed American, 0.0033%; no homozygotes.

Submission:

Labcorp Genetics (formerly Invitae), Labcorp
Classification: Uncertain significance for Emery-Dreifuss muscular dystrophy 5, autosomal dominant. Last evaluated: 2023-12-15. Review status: criteria provided, single submitter. Criteria: Invitae Variant Classification Sherloc (09022015). Collection method: clinical testing. Allele origin: germline.
Comment: This sequence change replaces glutamic acid, which is acidic and polar, with lysine, which is basic and polar, at codon 5853 of the SYNE2 protein (p.Glu5853Lys). This variant is not present in population databases (gnomAD no frequency). This variant has not been reported in the literature in individuals affected with SYNE2-related conditions. An algorithm developed to predict the effect of missense changes on protein structure and function (PolyPhen-2) suggests that this variant is likely to be disruptive. In summary, the available evidence is currently insufficient to determine the role of this variant in disease. Therefore, it has been classified as a Variant of Uncertain Significance.

NM_182914.3(SYNE2):c.17557G>A (p.Glu5853Lys)

Gene: SYNE2 (spectrin repeat containing nuclear envelope protein 2; plus strand). Cytogenetic location: 14q23.2.
Variant type: single nucleotide variant.
Coding change: c.17557G>A on transcript NM_182914.3 (MANE Select); coding-DNA position 17557, G replaced by A.
Protein change: p.Glu5853Lys; replaces glutamic acid 5853 with lysine.
Molecular consequence: missense variant.
Genome position (GRCh38, 1-based): chr14:64,186,424, G>A. VCF-style: chr14-64186424-G-A. GRCh37 (hg19) VCF-style: chr14-64653142-G-A.
Other names: c.17557G>A, p.Glu5853Lys (NM_015180.6); short protein forms E5853K.
Identifiers: ClinVar variation 3016549 (VCV003016549.3), dbSNP rs1158170304, ClinGen allele CA389989859.